The following is an entry in ClinVar:

NM_006648.4(WNK2):c.2435G>A (p.Gly812Asp)

Gene: WNK2 (WNK lysine deficient protein kinase 2; plus strand). Cytogenetic location: 9q22.31.
Variant type: single nucleotide variant.
Coding change: c.2435G>A on transcript NM_006648.4 (MANE Select); coding-DNA position 2435, G replaced by A.
Protein change: p.Gly812Asp; replaces glycine 812 with aspartic acid.
Molecular consequence: missense variant.
Genome position (GRCh38, 1-based): chr9:93,258,983, G>A. VCF-style: chr9-93258983-G-A. GRCh37 (hg19) VCF-style: chr9-96021265-G-A.
Other names: c.2435G>A, p.Gly812Asp (NM_001282394.3); short protein forms G812D.
Identifiers: ClinVar variation 3333149 (VCV003333149.2).

ClinVar aggregate classification (germline): Uncertain significance (1 of 4 stars; one submission).

gnomAD v4.1: 189 of 1,612,668 alleles (0.012%); highest among the groups gnomAD compares: Non-Finnish European, 0.015%; no homozygotes.

Submission:

Ambry Genetics
Classification: Uncertain significance. Last evaluated: 2024-11-22. Review status: criteria provided, single submitter. Criteria: Ambry Variant Classification Scheme 2023. Collection method: clinical testing. Allele origin: germline.
Comment: The p.G812D variant (also known as c.2435G>A), located in coding exon 11 of the WNK2 gene, results from a G to A substitution at nucleotide position 2435. The glycine at codon 812 is replaced by aspartic acid, an amino acid with similar properties. This amino acid position is conserved. In addition, this alteration is predicted to be tolerated by in silico analysis. Based on the available evidence, the clinical significance of this variant remains unclear.